The following is an entry in ClinVar:

ClinVar aggregate classification (germline): Uncertain significance (1 of 4 stars; one submission).

Submission:

Labcorp Genetics (formerly Invitae), Labcorp
Classification: Uncertain significance. Last evaluated: 2020-03-30. Review status: criteria provided, single submitter. Criteria: Invitae Variant Classification Sherloc (09022015). Collection method: clinical testing. Allele origin: germline.
Comment: This sequence change replaces glutamic acid with lysine at codon 311 of the ARSG protein (p.Glu311Lys). The glutamic acid residue is moderately conserved and there is a small physicochemical difference between glutamic acid and lysine. This variant is not present in population databases (ExAC no frequency). This variant has not been reported in the literature in individuals with ARSG-related conditions. Algorithms developed to predict the effect of missense changes on protein structure and function (SIFT, PolyPhen-2, Align-GVGD) all suggest that this variant is likely to be tolerated, but these predictions have not been confirmed by published functional studies and their clinical significance is uncertain. In summary, the available evidence is currently insufficient to determine the role of this variant in disease. Therefore, it has been classified as a Variant of Uncertain Significance.

NM_001267727.2(ARSG):c.931G>A (p.Glu311Lys)

Gene: ARSG (arylsulfatase G; plus strand). Cytogenetic location: 17q24.2.
Variant type: single nucleotide variant.
Coding change: c.931G>A on transcript NM_001267727.2 (MANE Select); coding-DNA position 931, G replaced by A.
Protein change: p.Glu311Lys; replaces glutamic acid 311 with lysine.
Molecular consequence: missense variant.
Genome position (GRCh38, 1-based): chr17:68,370,473, G>A. VCF-style: chr17-68370473-G-A. GRCh37 (hg19) VCF-style: chr17-66366614-G-A.
Other names: c.931G>A, p.Glu311Lys (NM_001352899.2, NM_001352900.2, NM_001352901.2 and 3 more transcripts); c.928G>A, p.Glu310Lys (NM_001352903.2, NM_001352904.2, NM_001352905.2 and 2 more transcripts); c.883G>A, p.Glu295Lys (NM_001352909.2); short protein forms E295K, E310K, E311K.
Identifiers: ClinVar variation 1014807 (VCV001014807.8), dbSNP rs2079779764, ClinGen allele CA400746813.